The following is an entry in ClinVar:

NM_058216.3(RAD51C):c.1027-3C>T

Gene: RAD51C (RAD51 paralog C; plus strand). Cytogenetic location: 17q22.
Variant type: single nucleotide variant.
Coding change: c.1027-3C>T on transcript NM_058216.3 (MANE Select); 3 bases into the intron before coding-DNA position 1027, C replaced by T.
Molecular consequence: intron variant.
Genome position (GRCh38, 1-based): chr17:58,734,115, C>T. VCF-style: chr17-58734115-C-T. GRCh37 (hg19) VCF-style: chr17-56811476-C-T.
Identifiers: ClinVar variation 471427 (VCV000471427.22), dbSNP rs587782459, ClinGen allele CA8677406.
Genomic context (GRCh38, chr17:58,734,115, plus strand): 5'-TTTCTAAGATCAGTCTTCAAATGTTCTTAAAGCATATTTGTATATATATTTTTTATCTTT[C>T]AGCCTCAGGGATTTAGAGATACTGTTGTTACTTCTGCATGTTCATTGCAAACAGAAGGTT-3'

ClinVar aggregate classification (germline): Conflicting classifications of pathogenicity. Review status: criteria provided, conflicting classifications (1 of 4 stars). 5 submissions from 5 submitters: Uncertain significance (2); Likely benign (3). Last evaluated 2025-10-29.

Conditions:
Hereditary cancer-predisposing syndrome. Also called: Tumor predisposition; Neoplastic Syndromes, Hereditary; Hereditary Cancer Syndrome; Hereditary neoplastic syndrome. Identifiers: Orphanet 140162, MedGen C0027672, MeSH D009386, MONDO:0015356.
Fanconi anemia complementation group O. Also called: RAD51C-Related Fanconi Anemia. Identifiers: Orphanet 84, MedGen C3150653, MONDO:0013248, OMIM 613390.

Allele frequency attached by ClinVar (database versions not stated): ExAC 0.00001; gnomAD exomes 0.00001; TOPMed 0.00002.
gnomAD v4.1: 3 of 1,611,560 alleles (0.00019%); highest among the groups gnomAD compares: Admixed American, 0.005%; no homozygotes.

Submissions (6):

Labcorp Genetics (formerly Invitae), Labcorp
Classification: Likely benign for Fanconi anemia complementation group O. Last evaluated: 2025-10-29. Review status: criteria provided, single submitter. Criteria: Invitae Variant Classification Sherloc (09022015). Collection method: clinical testing. Allele origin: germline.

Quest Diagnostics Nichols Institute San Juan Capistrano
Classification: Uncertain significance. Last evaluated: 2025-06-23. Review status: criteria provided, single submitter. Criteria: Quest Diagnostics criteria. Collection method: clinical testing. Allele origin: unknown.
Comment: The RAD51C c.1027-3C>T variant has not been reported in individuals with RAD51C-related conditions in the published literature. The frequency of this variant in the general population (Genome Aggregation Database) is uninformative in the assessment of its pathogenicity. Analysis of this variant using software algorithms for the prediction of the effect of nucleotide changes on splicing yielded predictions that this variant does not affect RAD51C mRNA splicing. Based on the available information, we are unable to determine the clinical significance of this variant.

Ambry Genetics
Classification: Likely benign for Hereditary cancer-predisposing syndrome. Last evaluated: 2022-01-12. Review status: criteria provided, single submitter. Criteria: Ambry Variant Classification Scheme 2023. Collection method: clinical testing. Allele origin: germline.

Women's Health and Genetics/Laboratory Corporation of America, LabCorp
Classification: Uncertain significance. Last evaluated: 2019-06-20. Review status: criteria provided, single submitter. Criteria: LabCorp Variant Classification Summary - May 2015. Collection method: clinical testing. Allele origin: germline.
Comment: Variant summary: RAD51C c.1027-3C>T alters a conserved nucleotide located close to a canonical splice site and therefore could affect mRNA splicing, leading to a significantly altered protein sequence. 5/5 computational tools predict no significant impact on normal splicing. However, these predictions have yet to be confirmed by functional studies. The variant allele was found at a frequency of 8.1e-06 in 247310 control chromosomes (gnomAD). The available data on variant occurrences in the general population are insufficient to allow any conclusion about variant significance. To our knowledge, no occurrence of c.1027-3C>T in individuals affected with Hereditary Breast and Ovarian Cancer and no experimental evidence demonstrating its impact on protein function have been reported. Two clinical diagnostic laboratories have submitted clinical-significance assessments for this variant to ClinVar after 2014 without evidence for independent evaluation. Two ClinVar submissions from clinical diagnostic laboratories (evaluation after 2014) cite the variant once as uncertain significance and once as likely benign. Based on the evidence outlined above, the variant was classified as uncertain significance.

Color Diagnostics, LLC DBA Color Health
Classification: Likely benign for Hereditary cancer-predisposing syndrome. Last evaluated: 2017-01-30. Review status: criteria provided, single submitter. Criteria: ACMG Guidelines, 2015. Collection method: clinical testing. Allele origin: germline.

Dr. Peter K. Rogan Lab, Western University
No classification provided (evidence only). Condition: Ovarian serous cystadenocarcinoma. Review status: no classification provided. Collection method: in vitro. Allele origin: not applicable. Functional consequence: retained intron. Not counted in ClinVar's aggregate classification.